The following is an entry in ClinVar:

NM_001292063.2(OTOG):c.7147G>A (p.Gly2383Arg)

Gene: OTOG (otogelin; plus strand). Cytogenetic location: 11p15.1.
Variant type: single nucleotide variant.
Coding change: c.7147G>A on transcript NM_001292063.2 (MANE Select); coding-DNA position 7147, G replaced by A.
Protein change: p.Gly2383Arg; replaces glycine 2383 with arginine.
Molecular consequence: missense variant.
Genome position (GRCh38, 1-based): chr11:17,633,754, G>A. VCF-style: chr11-17633754-G-A. GRCh37 (hg19) VCF-style: chr11-17655301-G-A.
Other names: c.7183G>A, p.Gly2395Arg (NM_001277269.2); short protein forms G2395R, G2383R.
Identifiers: ClinVar variation 505134 (VCV000505134.5), dbSNP rs866627770, ClinGen allele CA218497605.

ClinVar aggregate classification (germline): Uncertain significance (1 of 4 stars; one submission).

Allele frequency attached by ClinVar (database versions not stated): gnomAD exomes below 0.00001.
gnomAD v4.1: 3 of 1,550,502 alleles (0.00019%); highest among the groups gnomAD compares: South Asian, 0.0024%; no homozygotes.

Submission:

Laboratory for Molecular Medicine, Mass General Brigham Personalized Medicine
Classification: Uncertain significance. Last evaluated: 2016-06-21. Review status: criteria provided, single submitter. Criteria: LMM Criteria. Collection method: clinical testing. Allele origin: germline. Observed: 1 variant allele.
Comment: The p.Gly2395Arg variant in OTOG has not been previously reported in individuals with hearing loss. Data from large population studies are insufficient to asses s the frequency of this variant in the general population. Computational predict ion tools and conservation analyses suggest that this variant may not impact the protein, though this information is not predictive enough to rule out pathogeni city. In summary, the clinical significance of the p.Gly2395Arg variant is uncer tain.